The following is an entry in ClinVar:

NC_000001.10:g.(?_17345376)_(17359660_?)dup

Gene: SDHB (succinate dehydrogenase complex iron sulfur subunit B; minus strand). Cytogenetic location: 1p36.13.
Variant type: Duplication.
Identifiers: ClinVar variation 3247660 (VCV003247660.1).

ClinVar aggregate classification (germline): Uncertain significance (1 of 4 stars; one submission).

Conditions:
Pheochromocytoma. Also called: MAX-Related Hereditary Paraganglioma-Pheochromocytoma Syndrome. Identifiers: Orphanet 29072, MedGen C0031511, MONDO:0008233, OMIM 171300, HP:0002666.
Gastrointestinal stromal tumor. Also called: Gastrointestinal stromal tumor, somatic; Gastrointestinal stroma tumor. Identifiers: Orphanet 44890, MedGen C0238198, MeSH D046152, MONDO:0011719, OMIM 606764, HP:0100723.
Pheochromocytoma/paraganglioma syndrome 4. Also called: CAROTID BODY TUMORS AND MULTIPLE EXTRAADRENAL PHEOCHROMOCYTOMAS; PARAGANGLIOMA, FAMILIAL MALIGNANT; PARAGANGLIOMAS, HEREDITARY EXTRAADRENAL; PHEOCHROMOCYTOMA, FAMILIAL EXTRAADRENAL; Paragangliomas 4; SDHB-Related Hereditary Paraganglioma-Pheochromocytoma Syndrome (Paragangliomas 4). Identifiers: Orphanet 29072, MedGen C1861848, MONDO:0007273, OMIM 115310.

Submission:

Labcorp Genetics (formerly Invitae), Labcorp
Classification: Uncertain significance for Gastrointestinal stromal tumor; Pheochromocytoma/paraganglioma syndrome 4; Pheochromocytoma. Last evaluated: 2024-01-17. Review status: criteria provided, single submitter. Criteria: Invitae Variant Classification Sherloc (09022015). Collection method: clinical testing. Allele origin: unknown.
Comment: This variant results in a copy number gain of the genomic region encompassing exon(s) 3-8 of the SDHB gene. This region includes the termination codon of the gene. This copy number gain extends beyond the assayed region for this gene and therefore may encompass additional genes. As the precise location of this event is unknown, it may be in tandem or it may be located elsewhere in the genome. This variant has not been reported in the literature in individuals affected with SDHB-related conditions. In summary, the available evidence is currently insufficient to determine the role of this variant in disease. Therefore, it has been classified as a Variant of Uncertain Significance.